The following is an entry in ClinVar:

ClinVar aggregate classification (germline): Uncertain significance (1 of 4 stars; one submission).

Conditions:
Cardiovascular phenotype. Identifiers: MedGen CN230736.

Allele frequency attached by ClinVar (database versions not stated): gnomAD exomes below 0.00001; ExAC 0.00001.
gnomAD v4.1: 7 of 1,611,924 alleles (0.00043%); highest among the groups gnomAD compares: Admixed American, 0.0033%; no homozygotes.

Submission:

Ambry Genetics
Classification: Uncertain significance for Cardiovascular phenotype. Last evaluated: 2021-11-29. Review status: criteria provided, single submitter. Criteria: Ambry Variant Classification Scheme 2023. Collection method: clinical testing. Allele origin: germline.
Comment: The p.A1733T variant (also known as c.5197G>A), located in coding exon 13 of the TNXB gene, results from a G to A substitution at nucleotide position 5197. The alanine at codon 1733 is replaced by threonine, an amino acid with similar properties. This amino acid position is conserved. In addition, this alteration is predicted to be tolerated by in silico analysis. Since supporting evidence is limited at this time, the clinical significance of this alteration remains unclear.

NM_001365276.2(TNXB):c.5197G>A (p.Ala1733Thr)

Gene: TNXB (tenascin XB; minus strand). Cytogenetic location: 6p21.33.
Variant type: single nucleotide variant.
Coding change: c.5197G>A on transcript NM_001365276.2 (MANE Select); coding-DNA position 5197, G replaced by A.
Protein change: p.Ala1733Thr; replaces alanine 1733 with threonine.
Molecular consequence: missense variant.
Genome position (GRCh38, 1-based): chr6:32,070,208, C>T on the plus strand (G>A on the coding strand, the complement: TNXB is on the minus strand). VCF-style: chr6-32070208-C-T. GRCh37 (hg19) VCF-style: chr6-32037985-C-T.
Other names: c.5197G>A, p.Ala1733Thr (NM_019105.8); short protein forms A1733T.
Identifiers: ClinVar variation 1745945 (VCV001745945.2), dbSNP rs751110919, ClinGen allele CA3734771.
Genomic context (GRCh38, chr6:32,070,208, plus strand): 5'-GAGGGCCATGGCGCTTCTTGCCCAGGAGGCCATAGAGGAGGAATCTGTACTTGCGGCCGG[C>T]ATCCAGAGGGGTGACAGTGACAGAGCGCTCATGGCCCTCCACGGGCACCACCTGGGGCCC-3'
Protein context (NP_001352205.1, residues 1723-1743): ERSVTVTPLD[Ala1733Thr]GRKYRFLLYG